The following is an entry in ClinVar:

NM_022836.4(DCLRE1B):c.178C>G (p.Arg60Gly)

Gene: DCLRE1B (DNA cross-link repair 1B; plus strand). Cytogenetic location: 1p13.2.
Variant type: single nucleotide variant.
Coding change: c.178C>G on transcript NM_022836.4 (MANE Select); coding-DNA position 178, C replaced by G.
Protein change: p.Arg60Gly; replaces arginine 60 with glycine.
Molecular consequence: missense variant. On other transcripts: 5 prime UTR variant (3).
Genome position (GRCh38, 1-based): chr1:113,905,764, C>G. VCF-style: chr1-113905764-C-G. GRCh37 (hg19) VCF-style: chr1-114448386-C-G.
Other names: c.-35C>G (NM_001319946.2, NM_001319947.2, NM_001363691.2); c.178C>G, p.Arg60Gly (NM_001363690.2); short protein forms R60G.
Identifiers: ClinVar variation 1053170 (VCV001053170.9), dbSNP rs764770290, ClinGen allele CA1016283.
Genomic context (GRCh38, chr1:113,905,764, plus strand): 5'-CTGTCTAGCACCTGGGCCCGGCCCCTCTACTGCTCCCCAATTACAGCCCACCTCTTGCAT[C>G]GTCACCTACAGGTATGGGGCTGGAGTCGGTCTCCGAGAGCTGGTCCAGGCATCTGGGTTG-3'
Protein context (NP_073747.1, residues 50-70): CSPITAHLLH[Arg60Gly]HLQVSKQWIQ

ClinVar aggregate classification (germline): Uncertain significance (1 of 4 stars; one submission).

Conditions:
Hoyeraal-Hreidarsson syndrome (HHS). Also called: CEREBELLAR HYPOPLASIA WITH PANCYTOPENIA. Identifiers: Orphanet 3322, MedGen C1846142, MONDO:0018045.
Autosomal recessive dyskeratosis congenita. Identifiers: MedGen C3502105.

Allele frequency attached by ClinVar (database versions not stated): ExAC 0.00002; gnomAD 0.00002; gnomAD exomes 0.00002.
gnomAD v4.1: 33 of 1,613,132 alleles (0.002%); highest among the groups gnomAD compares: African/African-American, 0.004%; no homozygotes.

Submission:

Labcorp Genetics (formerly Invitae), Labcorp
Classification: Uncertain significance for Hoyeraal-Hreidarsson syndrome; Autosomal recessive dyskeratosis congenita. Last evaluated: 2020-04-27. Review status: criteria provided, single submitter. Criteria: Invitae Variant Classification Sherloc (09022015). Collection method: clinical testing. Allele origin: germline.
Comment: This variant is present in population databases (rs764770290, ExAC 0.003%). This variant has not been reported in the literature in individuals with DCLRE1B-related conditions. Algorithms developed to predict the effect of missense changes on protein structure and function are either unavailable or do not agree on the potential impact of this missense change (SIFT: "Tolerated"; PolyPhen-2: "Possibly Damaging"; Align-GVGD: "Class C15"). In summary, the available evidence is currently insufficient to determine the role of this variant in disease. Therefore, it has been classified as a Variant of Uncertain Significance. This sequence change replaces arginine with glycine at codon 60 of the DCLRE1B protein (p.Arg60Gly). The arginine residue is moderately conserved and there is a moderate physicochemical difference between arginine and glycine.